The following is an entry in ClinVar:

NM_000476.3(AK1):c.173C>T (p.Ser58Leu)

Genes: AK1 (adenylate kinase 1; minus strand), ST6GALNAC4-ST6GALNAC6-AK1 (ST6GALNAC4-ST6GALNAC6-AK1 readthrough; minus strand). Cytogenetic location: 9q34.11.
Variant type: single nucleotide variant.
Coding change: c.173C>T on transcript NM_000476.3 (MANE Select); coding-DNA position 173, C replaced by T.
Protein change: p.Ser58Leu; replaces serine 58 with leucine.
Molecular consequence: missense variant. On other transcripts: non-coding transcript variant (8).
Genome position (GRCh38, 1-based): chr9:127,872,724, G>A on the plus strand (C>T on the coding strand, the complement: AK1 is on the minus strand). VCF-style: chr9-127872724-G-A. GRCh37 (hg19) VCF-style: chr9-130635003-G-A.
Other names: p.Ser58Leu; c.173C>T, p.Ser58Leu (NM_001318121.1); c.221C>T, p.Ser74Leu (NM_001318122.2); c.173C>T (NM_000476.2); short protein forms S74L, S58L.
Identifiers: ClinVar variation 3666350 (VCV003666350.4).

ClinVar aggregate classification (germline): Conflicting classifications of pathogenicity. Review status: criteria provided, conflicting classifications (1 of 4 stars). 3 submissions from 3 submitters: Uncertain significance (1); Benign (1); Likely benign (1). Last evaluated 2025-11-06.

gnomAD v4.1: 1,216 of 1,614,098 alleles (0.075%); highest among the groups gnomAD compares: South Asian, 1.2%; 17 homozygotes.

Submissions (3):

Labcorp Genetics (formerly Invitae), Labcorp
Classification: Benign. Last evaluated: 2025-11-06. Review status: criteria provided, single submitter. Criteria: Invitae Variant Classification Sherloc (09022015). Collection method: clinical testing. Allele origin: germline.

Mayo Clinic Laboratories, Mayo Clinic
Classification: Uncertain significance. Last evaluated: 2025-09-30. Review status: criteria provided, single submitter. Criteria: ACMG Guidelines, 2015. Collection method: clinical testing. Allele origin: germline. Observed: 7 variant alleles.
Comment: BP4

Blueprint Genetics
Classification: Likely benign. Last evaluated: 2024-10-04. Review status: criteria provided, single submitter. Criteria: ACMG Guidelines, 2015. Collection method: clinical testing. Allele origin: germline.